The following is an entry in ClinVar:

ClinVar aggregate classification (germline): Uncertain significance. Review status: criteria provided, multiple submitters, no conflicts (2 of 4 stars). 3 submissions from 3 submitters: Uncertain significance (3). Last evaluated 2024-12-06.

Conditions:
Cardiovascular phenotype. Identifiers: MedGen CN230736.
MYH6-related disorder. Also called: MYH6-related condition; MYH6-Related Disorders.
Hypertrophic cardiomyopathy 14. Identifiers: MedGen C2750467, MONDO:0013197, OMIM 613251.

gnomAD v4.1: 20 of 1,614,022 alleles (0.0012%); highest among the groups gnomAD compares: Middle Eastern, 0.016%; no homozygotes.

Submissions (3):

Ambry Genetics
Classification: Uncertain significance for Cardiovascular phenotype. Last evaluated: 2024-12-06. Review status: criteria provided, single submitter. Criteria: Ambry Variant Classification Scheme 2023. Collection method: clinical testing. Allele origin: germline.

Labcorp Genetics (formerly Invitae), Labcorp
Classification: Uncertain significance for Hypertrophic cardiomyopathy 14. Last evaluated: 2024-02-17. Review status: criteria provided, single submitter. Criteria: Invitae Variant Classification Sherloc (09022015). Collection method: clinical testing. Allele origin: germline.
Comment: This sequence change replaces arginine, which is basic and polar, with histidine, which is basic and polar, at codon 1927 of the MYH6 protein (p.Arg1927His). This variant is present in population databases (rs730880152, gnomAD 0.007%). This variant has not been reported in the literature in individuals affected with MYH6-related conditions. ClinVar contains an entry for this variant (Variation ID: 470551). Advanced modeling of protein sequence and biophysical properties (such as structural, functional, and spatial information, amino acid conservation, physicochemical variation, residue mobility, and thermodynamic stability) performed at Invitae indicates that this missense variant is expected to disrupt MYH6 protein function with a positive predictive value of 80%. In summary, the available evidence is currently insufficient to determine the role of this variant in disease. Therefore, it has been classified as a Variant of Uncertain Significance.

PreventionGenetics, part of Exact Sciences
Classification: Uncertain significance for MYH6-related condition. Last evaluated: 2023-07-13. Review status: criteria provided, single submitter. Criteria: ACMG Guidelines, 2015. Collection method: clinical testing. Allele origin: germline.
Comment: The MYH6 c.5780G>A variant is predicted to result in the amino acid substitution p.Arg1927His. To our knowledge, this variant has not been reported in the literature. This variant is reported in 0.0062% of alleles in individuals of African descent in gnomAD. At this time, the clinical significance of this variant is uncertain due to the absence of conclusive functional and genetic evidence.

NM_002471.4(MYH6):c.5780G>A (p.Arg1927His)

Gene: MYH6 (myosin heavy chain 6; minus strand). Cytogenetic location: 14q11.2.
Variant type: single nucleotide variant.
Coding change: c.5780G>A on transcript NM_002471.4 (MANE Select); coding-DNA position 5780, G replaced by A.
Protein change: p.Arg1927His; replaces arginine 1927 with histidine.
Molecular consequence: missense variant.
Genome position (GRCh38, 1-based): chr14:23,382,444, C>T on the plus strand (G>A on the coding strand, the complement: MYH6 is on the minus strand). VCF-style: chr14-23382444-C-T. GRCh37 (hg19) VCF-style: chr14-23851653-C-T.
Other names: short protein forms R1927H.
Identifiers: ClinVar variation 470551 (VCV000470551.11), dbSNP rs730880152, ClinGen allele CA7114286.
Genomic context (GRCh38, chr14:23,382,444, plus strand): 5'-TGCTAATGTGGAAGTGACTAGTGAAGCCCAGGGGAGGGACCCACCTTGGCACCAATGTCA[C>T]GGCTCTTGGCTCGAAGCTTGTTGACCTGGGACTCAGCGATGTCCGCCCGCTCCTCTGCCT-3'
Protein context (NP_002462.2, residues 1917-1937): SQVNKLRAKS[Arg1927His]DIGAKQKMHD